The following is an entry in ClinVar:

ClinVar aggregate classification (germline): Uncertain significance (1 of 4 stars; one submission).

Conditions:
Cardiovascular phenotype. Identifiers: MedGen CN230736.

Submission:

Ambry Genetics
Classification: Uncertain significance for Cardiovascular phenotype. Last evaluated: 2025-02-01. Review status: criteria provided, single submitter. Criteria: Ambry Variant Classification Scheme 2023. Collection method: clinical testing. Allele origin: germline.
Comment: The p.N1094K variant (also known as c.3282C>G), located in coding exon 30 of the MYBPC3 gene, results from a C to G substitution at nucleotide position 3282. The asparagine at codon 1094 is replaced by lysine, an amino acid with similar properties. This amino acid position is conserved. In addition, this alteration is predicted to be tolerated by in silico analysis. Based on the available evidence, the clinical significance of this variant remains unclear.

NM_000256.3(MYBPC3):c.3282C>G (p.Asn1094Lys)

Gene: MYBPC3 (myosin binding protein C3; minus strand). Cytogenetic location: 11p11.2.
Variant type: single nucleotide variant.
Coding change: c.3282C>G on transcript NM_000256.3 (MANE Select); coding-DNA position 3282, C replaced by G.
Protein change: p.Asn1094Lys; replaces asparagine 1094 with lysine.
Molecular consequence: missense variant.
Genome position (GRCh38, 1-based): chr11:47,333,242, G>C on the plus strand (C>G on the coding strand, the complement: MYBPC3 is on the minus strand). VCF-style: chr11-47333242-G-C. GRCh37 (hg19) VCF-style: chr11-47354793-G-C.
Other names: short protein forms N1094K.
Identifiers: ClinVar variation 3876140 (VCV003876140.1).